The following is an entry in ClinVar:

NM_000070.3(CAPN3):c.756GAA[1] (p.Lys254del)

Gene: CAPN3 (calpain 3; plus strand). Cytogenetic location: 15q15.1.
Variant type: Microsatellite.
Coding change: c.756GAA[1] on transcript NM_000070.3 (MANE Select); one copy of the 3-base unit GAA starting at c.756; the reference has two copies in a row; one copy, 3 bases deleted; also written c.759_761del.
Protein change: p.Lys254del; deletes lysine 254.
Molecular consequence: inframe deletion.
Genome position (GRCh38, 1-based): chr15:42,389,054-42,389,056, GAA deleted; deleting any 3 consecutive bases within chr15:42,389,051-42,389,056 gives the same sequence; the position shown is the placement nearest the transcript's 3' end. VCF-style (leftmost placement, unchanged base first): chr15-42389050-TGAA-T. GRCh37 (hg19) VCF-style: chr15-42681248-TGAA-T.
Other names: NM_000070.3(CAPN3):c.756GAA[1]; p.Lys254del; c.756_758del (NM_000070.3); c.759_761del (NM_000070.2, NM_000070.3); c.756GAA[1], p.Lys254del (NM_024344.2, NM_173087.2); short protein forms K254del.
Identifiers: ClinVar variation 197624 (VCV000197624.72), dbSNP rs794727697, ClinGen allele CA346886.

ClinVar aggregate classification (germline): Pathogenic. Review status: reviewed by expert panel (3 of 4 stars). 13 submissions from 13 submitters: Pathogenic (1). 12 of the submissions do not count toward it. Last evaluated 2025-01-09.

Conditions:
Muscular dystrophy, limb-girdle, autosomal dominant 4. Also called: MUSCULAR DYSTROPHY, LIMB-GIRDLE, TYPE 1I; Calpain-3-related limb-girdle muscular dystrophy D4. Identifiers: Orphanet 565909, MedGen C4748295, MONDO:0029133, OMIM 618129.
CAPN3-related disorder. Also called: CAPN3-related disorders; CAPN3-related condition. Identifiers: MedGen CN239245.
Autosomal recessive limb-girdle muscular dystrophy type 2A (LGMDR1). Also called: LEYDEN-MOEBIUS MUSCULAR DYSTROPHY; MUSCULAR DYSTROPHY, PELVOFEMORAL; Muscular dystrophy, limb-girdle, type 2A, Amish; Limb-girdle muscular dystrophy, type 2A; Calpainopathy. Identifiers: Orphanet 267, MedGen C1869123, MONDO:0009675, OMIM 253600. Disease mechanism: loss of function.
Autosomal recessive limb-girdle muscular dystrophy. Identifiers: Orphanet 102015, MedGen C2931907, MONDO:0015152.

Submissions (13):

ClinGen Limb Girdle Muscular Dystrophy Variant Curation Expert Panel, ClinGen
Classification: Pathogenic for Autosomal recessive limb-girdle muscular dystrophy. Last evaluated: 2025-01-09. Review status: reviewed by expert panel. Criteria: ClinGen LGMD VCEP ACMG Specifications CAPN3 V1.0.0. Collection method: curation. Allele origin: germline. Inheritance: Autosomal recessive inheritance.
Comment: The NM_000070.3: c.759_761del variant in CAPN3, which is also known as c.756_758del, is predicted to cause a change in the length of the protein due to an in-frame deletion of one amino acid in a non-repeat region, p.(Lys254del) (PM4). This variant has been detected in at least 11 unrelated individuals with limb girdle muscular dystrophy (PMID: 26886200, 10330340, 16141003, 18055493, 30564623, 12461690, 35731190), including in a homozygous state in one case (0.5 pts; PMID: 18055493), confirmed in trans with a pathogenic variant in three cases (c.1468C>T p.(Arg490Trp), 1.0 pt, PMID: 12461690; c.1746-20C>G, 2.0 pts, PMID: 35731190), and in unknown phase with a pathogenic variant in one case (c.1468C>T p.(Arg490Trp), 0.5 pts, PMID: 18055493) (PM3_Very Strong). At least one patient with this variant displayed progressive limb girdle muscle weakness or a clinical suspicion of LGMD (PP4). The filtering allele frequency of the variant is 0.0001933 for European (non-Finnish) genome alleles in gnomAD v3.1.2 (the upper threshold of the 95% CI of 7/68016), which is greater than the LGMD VCEP threshold (<0.0001) for PM2_Supporting (criterion not met). In summary, this variant meets the criteria to be classified as Pathogenic for autosomal recessive limb girdle muscular dystrophy based on the ACMG/AMP criteria applied, as specified by the ClinGen LGMD VCEP (LGMD VCEP specifications version 1.0.0; 01/09/2025): PM4, PM3_Very Strong, PP4.

CeGaT Center for Human Genetics Tuebingen
Classification: Pathogenic. Last evaluated: 2026-08-01. Review status: criteria provided, single submitter. Criteria: CeGaT Center For Human Genetics Tuebingen Variant Classification Criteria Version 2. Collection method: clinical testing. Allele origin: germline. Affected: yes. Observed: 3 variant alleles. Not counted in ClinVar's aggregate classification.
Comment: CAPN3: PM3:Very Strong, PM1, PM2, PM4:Supporting, PS3:Supporting

Labcorp Genetics (formerly Invitae), Labcorp
Classification: Pathogenic for Autosomal recessive limb-girdle muscular dystrophy type 2A. Last evaluated: 2026-01-11. Review status: criteria provided, single submitter. Criteria: Invitae Variant Classification Sherloc (09022015). Collection method: clinical testing. Allele origin: germline. Not counted in ClinVar's aggregate classification.
Comment: This variant, c.759_761del, results in the deletion of 1 amino acid(s) of the CAPN3 protein (p.Lys254del), but otherwise preserves the integrity of the reading frame. This variant is present in population databases (rs760168012, gnomAD 0.01%). This variant has been observed in individual(s) with autosomal recessive limb-girdle muscular dystrophy (PMID: 10330340, 16141003, 18055493, 18334579, 18563459, 20694146, 22622166). In at least one individual the data is consistent with being in trans (on the opposite chromosome) from a pathogenic variant. ClinVar contains an entry for this variant (Variation ID: 197624). For these reasons, this variant has been classified as Pathogenic.

Natera, Inc.
Classification: Pathogenic for Limb-girdle muscular dystrophy type 2A. Last evaluated: 2025-08-06. Review status: criteria provided, single submitter. Criteria: Natera Variant Classification Schema (03/2026). Collection method: clinical testing. Allele origin: germline. Not counted in ClinVar's aggregate classification.
Comment: The c.759_761delGAA variant in CAPN3 is an in-frame deletion predicted to remove lysine at amino acid 254 while preserving the reading frame. This variant is rare in the general population with a frequency below the threshold expected for the associated phenotype(s). This variant has been observed in one or more individuals affected with the associated recessive disease, as either homozygous or compound heterozygous with a second variant (PMID: 33400223, 18055493, 18563459, 19556129, 33852849). This variant results in a change to the protein length while preserving reading frame, which may disrupt normal protein structure or function. Computational prediction algorithms indicate this variant is likely to affect gene or protein function. Given the available evidence, this variant is classified as Pathogenic.

Revvity Omics, Revvity
Classification: Pathogenic. Last evaluated: 2025-03-17. Review status: criteria provided, single submitter. Criteria: ACMG Guidelines, 2015. Collection method: clinical testing. Allele origin: germline. Not counted in ClinVar's aggregate classification.

Fulgent Genetics
Classification: Pathogenic for Autosomal recessive limb-girdle muscular dystrophy type 2A; Muscular dystrophy, limb-girdle, autosomal dominant 4. Last evaluated: 2024-05-29. Review status: criteria provided, single submitter. Criteria: ACMG Guidelines, 2015. Collection method: clinical testing. Allele origin: germline. Not counted in ClinVar's aggregate classification.

Baylor Genetics
Classification: Likely pathogenic for Muscular dystrophy, limb-girdle, autosomal dominant 4. Last evaluated: 2024-03-23. Review status: criteria provided, single submitter. Criteria: ACMG Guidelines, 2015. Collection method: clinical testing. Allele origin: unknown. Not counted in ClinVar's aggregate classification.

GeneDx
Classification: Pathogenic. Last evaluated: 2023-05-25. Review status: criteria provided, single submitter. Criteria: GeneDx Variant Classification Process June 2021. Collection method: clinical testing. Allele origin: germline. Affected: yes. Not counted in ClinVar's aggregate classification.
Comment: In-frame deletion of 1 amino acid in a non-repeat region predicted to critically alter the protein; Not observed at significant frequency in large population cohorts (gnomAD); In silico analysis supports a deleterious effect on protein structure/function; This variant is associated with the following publications: (PMID: 22622166, 20694146, 34720847, 26810512, 16141003, 10330340, 28300015, 12461690, 27447704, 16344536, 18334579, 18563459, 30564623, 30919934, 31980526, 33741228, 32528171, 18055493)

Blueprint Genetics
Classification: Pathogenic for CAPN3-related disorders. Last evaluated: 2022-02-04. Review status: criteria provided, single submitter. Criteria: ACMG Guidelines, 2015. Collection method: clinical testing. Allele origin: germline. Affected: yes. Observed: 3 variant alleles. Not counted in ClinVar's aggregate classification.

Laboratorio de Genetica e Diagnostico Molecular, Hospital Israelita Albert Einstein
Classification: Likely pathogenic. Last evaluated: 2022-02-03. Review status: criteria provided, single submitter. Criteria: ACMG Guidelines, 2015. Collection method: clinical testing. Allele origin: germline. Affected: yes. Not counted in ClinVar's aggregate classification.
Comment: ACMG classification criteria: PS3, PS4, PM4

Athena Diagnostics
Classification: Pathogenic. Last evaluated: 2020-10-27. Review status: criteria provided, single submitter. Criteria: Athena Diagnostics criteria. Collection method: clinical testing. Allele origin: unknown. Not counted in ClinVar's aggregate classification.
Comment: The frequency of this variant in the general population is consistent with pathogenicity. This variant is statistically more frequent in affected individuals than in the general population and/or healthy controls. In multiple individuals, this variant has been seen with a single recessive pathogenic variant in the same gene, suggesting this variant may also be pathogenic.

Eurofins Ntd Llc (ga)
Classification: Pathogenic. Last evaluated: 2018-02-28. Review status: criteria provided, single submitter. Criteria: EGL ClinVar v180209 classification definitions. Collection method: clinical testing. Allele origin: germline. Observed: 24 variant alleles, 23 heterozygotes, 1 homozygote. Not counted in ClinVar's aggregate classification.

Counsyl
Classification: Pathogenic for Autosomal recessive limb-girdle muscular dystrophy type 2A. Last evaluated: 2017-07-28. Review status: no assertion criteria provided. Collection method: clinical testing. Allele origin: unknown. Not counted in ClinVar's aggregate classification.

Literature cited by the submitters: PubMed 10330340 (cited by 3 submitters); PubMed 16141003 (cited by Labcorp Genetics (formerly Invitae), Labcorp and Athena Diagnostics); PubMed 18055493 (cited by 5 submitters); PubMed 18334579 (cited by Labcorp Genetics (formerly Invitae), Labcorp and Athena Diagnostics); PubMed 18563459 (cited by 4 submitters); PubMed 20694146 (cited by Labcorp Genetics (formerly Invitae), Labcorp and Athena Diagnostics); PubMed 22622166 (cited by 3 submitters); PubMed 33400223 (cited by Natera, Inc.); PubMed 19556129 (cited by Natera, Inc. and Athena Diagnostics); PubMed 33852849 (cited by Natera, Inc.); PubMed 26886200 (cited by Athena Diagnostics and Counsyl); PubMed 27447704 (cited by Athena Diagnostics and Counsyl); PubMed 28300015 (cited by Athena Diagnostics); PubMed 28877744 (cited by Athena Diagnostics); PubMed 16344536 (cited by Athena Diagnostics); PubMed 12461690 (cited by Athena Diagnostics and Counsyl); PubMed 15726252 (cited by Counsyl); PubMed 25079074 (cited by Counsyl); PubMed 26810512 (cited by Counsyl); PubMed 17562833 (cited by Counsyl).